The following is an entry in ClinVar:

NM_000426.4(LAMA2):c.1877del (p.Ile626fs)

Gene: LAMA2 (laminin subunit alpha 2; plus strand). Cytogenetic location: 6q22.33.
Variant type: Deletion.
Coding change: c.1877del on transcript NM_000426.4 (MANE Select); coding-DNA position 1877, one base deleted (T; older notation c.1877delT).
Protein change: p.Ile626fs; shifts the reading frame from isoleucine 626.
Molecular consequence: frameshift variant.
Genome position (GRCh38, 1-based): chr6:129,250,206, T deleted. VCF-style (leftmost placement, unchanged base first): chr6-129250205-AT-A. GRCh37 (hg19) VCF-style: chr6-129571350-AT-A.
Other names: c.1877del, p.Ile626fs (NM_001079823.2); short protein forms I626fs.
Identifiers: ClinVar variation 1363321 (VCV001363321.7), dbSNP rs2114276683, ClinGen allele CA2573140445.
Genomic context (GRCh38, chr6:129,250,205, plus strand): 5'-ATATCATATGACCTTGAAGAAGAGGAAGAAGATACAGAACGTGTTCTCCAGCTTATGATT[AT>A]CTTAGAGGTAGAGTACTGAGAGCATGTTCACCCGTGTTACTTCCTGATGTTACTTAAGGT-3'

ClinVar aggregate classification (germline): Pathogenic. Review status: criteria provided, multiple submitters, no conflicts (2 of 4 stars). 2 submissions from 2 submitters: Pathogenic (2). Last evaluated 2025-09-07.

Conditions:
LAMA2-related muscular dystrophy (LAMA2-RD). Also called: Laminin alpha 2-related dystrophy. Identifiers: MedGen C5679788, MONDO:0100228.

Submissions (2):

Myriad Genetics, Inc.
Classification: Pathogenic for LAMA2-related muscular dystrophy. Last evaluated: 2025-09-07. Review status: criteria provided, single submitter. Criteria: Myriad Autosomal Dominant, Autosomal Recessive and X-Linked Classification Criteria (2023). Collection method: clinical testing. Allele origin: unknown.
Comment: NM_000426.3(LAMA2):c.1877delT(I626Tfs*2) is expected to be pathogenic in the context of muscular dystrophy, LAMA2-related. This variant is predicted to lead to an abnormal or absent protein product due to the creation of a premature termination codon in LAMA2, a gene where loss-of-function variants are known to be pathogenic. Please note: this variant was assessed in the context of healthy population screening.

Labcorp Genetics (formerly Invitae), Labcorp
Classification: Pathogenic for LAMA2-related muscular dystrophy. Last evaluated: 2021-01-07. Review status: criteria provided, single submitter. Criteria: Invitae Variant Classification Sherloc (09022015). Collection method: clinical testing. Allele origin: germline.
Comment: For these reasons, this variant has been classified as Pathogenic. This variant has not been reported in the literature in individuals with LAMA2-related conditions. This variant is not present in population databases (ExAC no frequency). This sequence change creates a premature translational stop signal (p.Ile626Thrfs*2) in the LAMA2 gene. It is expected to result in an absent or disrupted protein product. Loss-of-function variants in LAMA2 are known to be pathogenic (PMID: 18700894).

Literature cited by the submitters: PubMed 18700894 (cited by Labcorp Genetics (formerly Invitae), Labcorp).